The following is an entry in ClinVar:

ClinVar aggregate classification (germline): Pathogenic/Likely pathogenic. Review status: criteria provided, multiple submitters, no conflicts (2 of 4 stars). 2 submissions from 2 submitters: Pathogenic (1); Likely pathogenic (1). Last evaluated 2026-04-28.

Conditions:
Familial thoracic aortic aneurysm and aortic dissection (TAAD). Also called: Thoracic aortic aneurysms and dissections. Identifiers: Orphanet 91387, MedGen C4707243, MONDO:0019625.

Submissions (2):

Ambry Genetics
Classification: Likely pathogenic for Familial thoracic aortic aneurysm and aortic dissection. Last evaluated: 2026-04-28. Review status: criteria provided, single submitter. Criteria: Ambry Variant Classification Scheme 2023. Collection method: clinical testing. Allele origin: germline.
Comment: The p.G1083D variant (also known as c.3248G>A), located in coding exon 44 of the COL3A1 gene, results from a G to A substitution at nucleotide position 3248. The glycine at codon 1083 is replaced by aspartic acid, an amino acid with similar properties. The majority (approximately two-thirds) ofCOL3A1mutations identified to date have involved the substitution of another amino acid for glycine within the triple-helical domain (PepinMG et al.GenetMed.2014;16(12):881-8; Frank M et al.Eur J Hum Genet. 2015;23(12):1657-64). Internal structural analysis indicates that this alteration disrupts the characteristic G-X-Y motif in theCOL3A1protein and inserts a bulky side chain into asterically-constrainedregion (Bella J et al.Science.1994;266:75-81;HohenesterE et al.Proc. Natl.Acad. Sci. U.S.A.2008;105:18273-7; Ambry internal data). This amino acid position is highly conserved in available vertebrate species. In addition, this alteration is predicted to be deleterious by in silico analysis. This variant is considered to be rare based on population cohorts in the Genome Aggregation Database (gnomAD). Based on the majority of available evidence to date, this variant is likely to be pathogenic.

GeneDx
Classification: Pathogenic. Last evaluated: 2024-11-08. Review status: criteria provided, single submitter. Criteria: GeneDx Variant Classification Process June 2021. Collection method: clinical testing. Allele origin: germline. Affected: yes.
Comment: Occurs in the triple helical domain and replaces the glycine in the canonical Gly-X-Y repeat; missense substitution of a canonical glycine residue is expected to disrupt normal protein folding and function, and this is an established mechanism of disease (HGMD); Not observed at significant frequency in large population cohorts (gnomAD); In silico analysis supports that this missense variant has a deleterious effect on protein structure/function; Has not been previously published as pathogenic or benign to our knowledge; This variant is associated with the following publications: (PMID: 9036918, 10706896)

NM_000090.4(COL3A1):c.3248G>A (p.Gly1083Asp)

Gene: COL3A1 (collagen type III alpha 1 chain; plus strand). Cytogenetic location: 2q32.2.
Variant type: single nucleotide variant.
Coding change: c.3248G>A on transcript NM_000090.4 (MANE Select); coding-DNA position 3248, G replaced by A.
Protein change: p.Gly1083Asp; replaces glycine 1083 with aspartic acid.
Molecular consequence: missense variant.
Genome position (GRCh38, 1-based): chr2:189,006,983, G>A. VCF-style: chr2-189006983-G-A. GRCh37 (hg19) VCF-style: chr2-189871709-G-A.
Other names: short protein forms G1083D.
Identifiers: ClinVar variation 2581766 (VCV002581766.3), dbSNP rs2469159535, ClinGen allele CA349845310.